The following is an entry in ClinVar:

NM_004525.3(LRP2):c.8020G>T (p.Glu2674Ter)

Gene: LRP2 (LDL receptor related protein 2; minus strand). Cytogenetic location: 2q31.1.
Variant type: single nucleotide variant.
Coding change: c.8020G>T on transcript NM_004525.3 (MANE Select); coding-DNA position 8020, G replaced by T.
Protein change: p.Glu2674Ter; replaces glutamic acid 2674 with a stop codon.
Molecular consequence: nonsense.
Genome position (GRCh38, 1-based): chr2:169,202,945, C>A on the plus strand (G>T on the coding strand, the complement: LRP2 is on the minus strand). VCF-style: chr2-169202945-C-A. GRCh37 (hg19) VCF-style: chr2-170059455-C-A.
Other names: short protein forms E2674*.
Identifiers: ClinVar variation 3651101 (VCV003651101.2).

ClinVar aggregate classification (germline): Pathogenic (1 of 4 stars; one submission).

Submission:

Labcorp Genetics (formerly Invitae), Labcorp
Classification: Pathogenic. Last evaluated: 2024-04-25. Review status: criteria provided, single submitter. Criteria: Invitae Variant Classification Sherloc (09022015). Collection method: clinical testing. Allele origin: germline.
Comment: This sequence change creates a premature translational stop signal (p.Glu2674*) in the LRP2 gene. It is expected to result in an absent or disrupted protein product. Loss-of-function variants in LRP2 are known to be pathogenic (PMID: 17632512, 25682901). This variant is not present in population databases (gnomAD no frequency). This variant has not been reported in the literature in individuals affected with LRP2-related conditions. For these reasons, this variant has been classified as Pathogenic.

Literature cited by the submitters: PubMed 17632512; PubMed 25682901.